The following is an entry in ClinVar:

NM_001112741.2(KCNC1):c.722C>G (p.Thr241Arg)

Gene: KCNC1 (potassium voltage-gated channel subfamily C member 1; plus strand). Cytogenetic location: 11p15.1.
Variant type: single nucleotide variant.
Coding change: c.722C>G on transcript NM_001112741.2 (MANE Select); coding-DNA position 722, C replaced by G.
Protein change: p.Thr241Arg; replaces threonine 241 with arginine.
Molecular consequence: missense variant.
Genome position (GRCh38, 1-based): chr11:17,771,816, C>G. VCF-style: chr11-17771816-C-G. GRCh37 (hg19) VCF-style: chr11-17793363-C-G.
Other names: c.722C>G, p.Thr241Arg (NM_004976.4); short protein forms T241R.
Identifiers: ClinVar variation 1961895 (VCV001961895.5), dbSNP rs2497799496, ClinGen allele CA379805961.
Genomic context (GRCh38, chr11:17,771,816, plus strand): 5'-AGACGGAGATCGAGAACGTTCGCAATGGCACGCAAGTGCGCTACTACCGGGAGGCCGAGA[C>G]GGAGGCCTTCCTTACCTACATCGAGGGCGTCTGTGTGGTCTGGTTCACCTTCGAGTTCCT-3'
Protein context (NP_001106212.1, residues 231-251): TQVRYYREAE[Thr241Arg]EAFLTYIEGV

ClinVar aggregate classification (germline): Uncertain significance (1 of 4 stars; one submission).

Conditions:
Progressive myoclonic epilepsy type 7. Identifiers: Orphanet 435438, MedGen C4015420, MONDO:0014521, OMIM 616187.

Submission:

Labcorp Genetics (formerly Invitae), Labcorp
Classification: Uncertain significance for Progressive myoclonic epilepsy type 7. Last evaluated: 2022-09-01. Review status: criteria provided, single submitter. Criteria: Invitae Variant Classification Sherloc (09022015). Collection method: clinical testing. Allele origin: germline.
Comment: In summary, the available evidence is currently insufficient to determine the role of this variant in disease. Therefore, it has been classified as a Variant of Uncertain Significance. Advanced modeling of protein sequence and biophysical properties (such as structural, functional, and spatial information, amino acid conservation, physicochemical variation, residue mobility, and thermodynamic stability) performed at Invitae indicates that this missense variant is expected to disrupt KCNC1 protein function. This variant has not been reported in the literature in individuals affected with KCNC1-related conditions. This variant is not present in population databases (gnomAD no frequency). This sequence change replaces threonine, which is neutral and polar, with arginine, which is basic and polar, at codon 241 of the KCNC1 protein (p.Thr241Arg).